The following is an entry in ClinVar:

ClinVar aggregate classification (germline): Uncertain significance (1 of 4 stars; one submission).

Conditions:
Hereditary cancer-predisposing syndrome. Also called: Tumor predisposition; Neoplastic Syndromes, Hereditary; Hereditary neoplastic syndrome; Hereditary Cancer Syndrome. Identifiers: Orphanet 140162, MedGen C0027672, MeSH D009386, MONDO:0015356.

Submission:

Ambry Genetics
Classification: Uncertain significance for Hereditary cancer-predisposing syndrome. Last evaluated: 2024-10-30. Review status: criteria provided, single submitter. Criteria: Ambry Variant Classification Scheme 2023. Collection method: clinical testing. Allele origin: germline.
Comment: The p.C728W variant (also known as c.2184C>G), located in coding exon 13 of the ATM gene, results from a C to G substitution at nucleotide position 2184. The cysteine at codon 728 is replaced by tryptophan, an amino acid with highly dissimilar properties. This amino acid position is conserved. In addition, this alteration is predicted to be deleterious by in silico analysis. Based on the available evidence, the clinical significance of this variant remains unclear.

NM_000051.4(ATM):c.2184C>G (p.Cys728Trp)

Gene: ATM (ATM serine/threonine kinase; plus strand). Cytogenetic location: 11q22.3.
Variant type: single nucleotide variant.
Coding change: c.2184C>G on transcript NM_000051.4 (MANE Select); coding-DNA position 2184, C replaced by G.
Protein change: p.Cys728Trp; replaces cysteine 728 with tryptophan.
Molecular consequence: missense variant.
Genome position (GRCh38, 1-based): chr11:108,256,274, C>G. VCF-style: chr11-108256274-C-G. GRCh37 (hg19) VCF-style: chr11-108127001-C-G.
Other names: c.2184C>G, p.Cys728Trp (NM_001351834.2); short protein forms C728W.
Identifiers: ClinVar variation 3452320 (VCV003452320.1).
Genomic context (GRCh38, chr11:108,256,274, plus strand): 5'-GATTACAAATTCAGAAACTCTTGTCCGGTGTTCACGTCTTTTGGTGGGTGTCCTTGGCTG[C>G]TACTGTTACATGGGTGTAATAGCTGAAGAGGAAGCATATAAGTCAGAATTATTCCAGAAA-3'
Protein context (NP_000042.3, residues 718-738): CSRLLVGVLG[Cys728Trp]YCYMGVIAEE